The following is an entry in ClinVar:

ClinVar aggregate classification (germline): Uncertain significance (1 of 4 stars; one submission).

Submission:

Labcorp Genetics (formerly Invitae), Labcorp
Classification: Uncertain significance. Last evaluated: 2024-10-29. Review status: criteria provided, single submitter. Criteria: Invitae Variant Classification Sherloc (09022015). Collection method: clinical testing. Allele origin: germline.
Comment: This sequence change replaces leucine, which is neutral and non-polar, with methionine, which is neutral and non-polar, at codon 875 of the TRIM37 protein (p.Leu875Met). This variant is not present in population databases (gnomAD no frequency). This variant has not been reported in the literature in individuals affected with TRIM37-related conditions. ClinVar contains an entry for this variant (Variation ID: 2191770). Invitae Evidence Modeling of protein sequence and biophysical properties (such as structural, functional, and spatial information, amino acid conservation, physicochemical variation, residue mobility, and thermodynamic stability) indicates that this missense variant is not expected to disrupt TRIM37 protein function with a negative predictive value of 80%. In summary, the available evidence is currently insufficient to determine the role of this variant in disease. Therefore, it has been classified as a Variant of Uncertain Significance.

NM_015294.6(TRIM37):c.2623T>A (p.Leu875Met)

Gene: TRIM37 (tripartite motif containing 37; minus strand). Cytogenetic location: 17q22.
Variant type: single nucleotide variant.
Coding change: c.2623T>A on transcript NM_015294.6 (MANE Select); coding-DNA position 2623, T replaced by A.
Protein change: p.Leu875Met; replaces leucine 875 with methionine.
Molecular consequence: missense variant. On other transcripts: non-coding transcript variant (2).
Genome position (GRCh38, 1-based): chr17:59,012,400, A>T on the plus strand (T>A on the coding strand, the complement: TRIM37 is on the minus strand). VCF-style: chr17-59012400-A-T. GRCh37 (hg19) VCF-style: chr17-57089761-A-T.
Other names: c.2623T>A, p.Leu875Met (NM_001005207.5, NM_001320988.3, NM_001320989.3 and 1 more transcripts); c.2521T>A, p.Leu841Met (NM_001320987.3, NM_001353082.2); c.2257T>A, p.Leu753Met (NM_001320990.3); c.1888T>A, p.Leu630Met (NM_001353083.2); c.2161T>A, p.Leu721Met (NM_001353085.2); c.2572T>A, p.Leu858Met (NM_001353086.2); short protein forms L721M, L753M, L841M, L630M, L858M, L875M.
Identifiers: ClinVar variation 2191770 (VCV002191770.4), dbSNP rs778075290, ClinGen allele CA400770391.